The following is an entry in ClinVar:

NM_001854.4(COL11A1):c.1573-3T>C

Gene: COL11A1 (collagen type XI alpha 1 chain; minus strand). Cytogenetic location: 1p21.1.
Variant type: single nucleotide variant.
Coding change: c.1573-3T>C on transcript NM_001854.4 (MANE Select); 3 bases into the intron before coding-DNA position 1573, T replaced by C.
Molecular consequence: intron variant.
Genome position (GRCh38, 1-based): chr1:103,012,472, A>G on the plus strand (T>C on the coding strand, the complement: COL11A1 is on the minus strand). VCF-style: chr1-103012472-A-G. GRCh37 (hg19) VCF-style: chr1-103478028-A-G.
Other names: c.1456-3T>C (NM_001190709.2); c.1609-3T>C (NM_080629.3); c.1225-3T>C (NM_080630.4).
Identifiers: ClinVar variation 1946711 (VCV001946711.5), dbSNP rs2525470860, ClinGen allele CA2580060739.
Genomic context (GRCh38, chr1:103,012,472, plus strand): 5'-CCACAGGACCTGGTCTTCCAGTTAGACCCATTGGGCCAGGTGGGCCTCTCAGAGCAATCT[A>G]GAAAACAAAATATATCAAATTCAGTAATATTCTCCTGGAAGAGCACATTAAAGTACAATA-3'

ClinVar aggregate classification (germline): Uncertain significance (1 of 4 stars; one submission).

Submission:

Labcorp Genetics (formerly Invitae), Labcorp
Classification: Uncertain significance. Last evaluated: 2024-10-29. Review status: criteria provided, single submitter. Criteria: Invitae Variant Classification Sherloc (09022015). Collection method: clinical testing. Allele origin: germline.
Comment: This sequence change falls in intron 13 of the COL11A1 gene. It does not directly change the encoded amino acid sequence of the COL11A1 protein. It affects a nucleotide within the consensus splice site. This variant is not present in population databases (gnomAD no frequency). This variant has not been reported in the literature in individuals affected with COL11A1-related conditions. ClinVar contains an entry for this variant (Variation ID: 1946711). Variants that disrupt the consensus splice site are a relatively common cause of aberrant splicing (PMID: 17576681, 9536098). Algorithms developed to predict the effect of sequence changes on RNA splicing suggest that this variant is not likely to affect RNA splicing. In summary, the available evidence is currently insufficient to determine the role of this variant in disease. Therefore, it has been classified as a Variant of Uncertain Significance.

Literature cited by the submitters: PubMed 17576681; PubMed 9536098.